The following is an entry in ClinVar:

ClinVar aggregate classification (germline): Uncertain significance. Review status: criteria provided, multiple submitters, no conflicts (2 of 4 stars). 2 submissions from 2 submitters: Uncertain significance (2). Last evaluated 2024-11-24.

Conditions:
Inborn genetic diseases. Identifiers: MedGen C0950123, MeSH D030342.
Leukemia, acute lymphoblastic, susceptibility to, 3 (ALL3). Identifiers: MedGen C3809874, MONDO:0014241, OMIM 615545.

Allele frequency attached by ClinVar (database versions not stated): ExAC 0.00001; gnomAD 0.00005; gnomAD exomes 0.00006; ESP Exome Variant Server 0.00008.
gnomAD v4.1: 97 of 1,609,404 alleles (0.006%); highest among the groups gnomAD compares: Non-Finnish European, 0.0072%; no homozygotes.

Submissions (2):

Ambry Genetics
Classification: Uncertain significance for Inborn genetic diseases. Last evaluated: 2024-11-24. Review status: criteria provided, single submitter. Criteria: Ambry Variant Classification Scheme 2023. Collection method: clinical testing. Allele origin: germline.
Comment: The p.V164L variant (also known as c.490G>T), located in coding exon 5 of the PAX5 gene, results from a G to T substitution at nucleotide position 490. The valine at codon 164 is replaced by leucine, an amino acid with highly similar properties. This amino acid position is conserved. In addition, the in silico prediction for this alteration is inconclusive. Based on the available evidence, the clinical significance of this variant remains unclear.

St. Jude Molecular Pathology, St. Jude Children's Research Hospital
Classification: Uncertain significance for Leukemia, acute lymphoblastic, susceptibility to, 3. Last evaluated: 2023-07-11. Review status: criteria provided, single submitter. Criteria: St. Jude Assertion Criteria 2020. Collection method: clinical testing. Allele origin: germline.
Comment: The PAX5 c.490G>T (p.Val164Leu) missense change has a maximum subpopulation frequency of 0.004% in gnomAD v2.1.1. The in silico tool REVEL is inconclusive about a pathogenic or benign effect of this variant on protein function, and to our knowledge functional studies have not been performed. To our knowledge, this variant has not been reported in individuals with acute lymphoblastic leukemia. In summary, the evidence currently available is insufficient to determine the clinical significance of this variant. It has therefore been classified as of uncertain significance.

NM_016734.3(PAX5):c.490G>T (p.Val164Leu)

Genes: PAX5 (paired box 5; minus strand), LOC105376032 (uncharacterized LOC105376032; plus strand). Cytogenetic location: 9p13.2.
Variant type: single nucleotide variant.
Coding change: c.490G>T on transcript NM_016734.3 (MANE Select); coding-DNA position 490, G replaced by T.
Protein change: p.Val164Leu; replaces valine 164 with leucine.
Molecular consequence: missense variant. On other transcripts: non-coding transcript variant (2), intron variant (2).
Genome position (GRCh38, 1-based): chr9:37,002,762, C>A on the plus strand (G>T on the coding strand, the complement: PAX5 is on the minus strand). VCF-style: chr9-37002762-C-A. GRCh37 (hg19) VCF-style: chr9-37002759-C-A.
Other names: c.490G>T, p.Val164Leu (NM_001280547.2, NM_001280548.2, NM_001280549.2 and 2 more transcripts); c.166G>T, p.Val56Leu (NM_001280551.2, NM_001280556.2); c.292G>T, p.Val98Leu (NM_001280555.2); c.475+3711G>T (NM_001280553.2, NM_001280554.2); c.490G>T (NM_016734.1); short protein forms V164L, V56L, V98L.
Identifiers: ClinVar variation 2577905 (VCV002577905.2), dbSNP rs369446258, ClinGen allele CA5058278.